The following is an entry in ClinVar:

NM_000219.6(KCNE1):c.221C>A (p.Ser74Ter)

Gene: KCNE1 (potassium voltage-gated channel subfamily E regulatory subunit 1; minus strand). Cytogenetic location: 21q22.12.
Variant type: single nucleotide variant.
Coding change: c.221C>A on transcript NM_000219.6 (MANE Select); coding-DNA position 221, C replaced by A.
Protein change: p.Ser74Ter; replaces serine 74 with a stop codon.
Molecular consequence: nonsense.
Genome position (GRCh38, 1-based): chr21:34,449,414, G>T on the plus strand (C>A on the coding strand, the complement: KCNE1 is on the minus strand). VCF-style: chr21-34449414-G-T. GRCh37 (hg19) VCF-style: chr21-35821712-G-T.
Other names: c.221C>A, p.Ser74Ter (NM_001127668.4, NM_001127669.4, NM_001127670.4 and 4 more transcripts); short protein forms S74*.
Identifiers: ClinVar variation 3374362 (VCV003374362.2).
Genomic context (GRCh38, chr21:34,449,414, plus strand): 5'-TAGGCCTTGTCCTTCTCTTGCCAGGCATCGGACTCGATGTAGACGTTGAATGGGTCGTTC[G>T]AGTGCTCCAGCTTCTTGGAGCGGATGTAGCTCAGCATGATGCCCAGGGTGAAGAAGCCGA-3'

Conditions:
Long QT syndrome 5 (LQT5). Identifiers: Orphanet 101016, Orphanet 768, MedGen C1867904, MONDO:0013372, OMIM 613695.

Submission:

Roden Lab, Vanderbilt University Medical Center
No classification provided (evidence only). Condition: Long QT syndrome 5. Review status: no classification provided. Collection method: in vitro. Allele origin: not applicable. Functional consequence: Effect on ion channel function.
ClinVar note: "not provided" was previously submitted as the classification for the variant. However, the classification appeared to be based only on an observation of functional data so it was converted to no classification on 2025-07-30.